The following is an entry in ClinVar:

NM_006231.4(POLE):c.6562T>G (p.Ser2188Ala)

Gene: POLE (DNA polymerase epsilon, catalytic subunit; minus strand). Cytogenetic location: 12q24.33.
Variant type: single nucleotide variant.
Coding change: c.6562T>G on transcript NM_006231.4 (MANE Select); coding-DNA position 6562, T replaced by G.
Protein change: p.Ser2188Ala; replaces serine 2188 with alanine.
Molecular consequence: missense variant.
Genome position (GRCh38, 1-based): chr12:132,625,740, A>C on the plus strand (T>G on the coding strand, the complement: POLE is on the minus strand). VCF-style: chr12-132625740-A-C. GRCh37 (hg19) VCF-style: chr12-133202326-A-C.
Other names: short protein forms S2188A.
Identifiers: ClinVar variation 4141153 (VCV004141153.1).

ClinVar aggregate classification (germline): Uncertain significance (1 of 4 stars; one submission).

Conditions:
Hereditary cancer-predisposing syndrome. Also called: Hereditary neoplastic syndrome; Neoplastic Syndromes, Hereditary; Tumor predisposition; Hereditary Cancer Syndrome. Identifiers: Orphanet 140162, MedGen C0027672, MeSH D009386, MONDO:0015356.

Submission:

Ambry Genetics
Classification: Uncertain significance for Hereditary cancer-predisposing syndrome. Last evaluated: 2025-07-07. Review status: criteria provided, single submitter. Criteria: Ambry Variant Classification Scheme 2023. Collection method: clinical testing. Allele origin: germline.
Comment: The p.S2188A variant (also known as c.6562T>G), located in coding exon 47 of the POLE gene, results from a T to G substitution at nucleotide position 6562. The serine at codon 2188 is replaced by alanine, an amino acid with similar properties. This amino acid position is conserved. In addition, this alteration is predicted to be tolerated by in silico analysis. Based on the available evidence, the clinical significance of this variant remains unclear.